The following is an entry in ClinVar:

ClinVar aggregate classification (germline): Benign/Likely benign. Review status: criteria provided, multiple submitters, no conflicts (2 of 4 stars). 3 submissions from 3 submitters: Benign (1); Likely benign (2). Last evaluated 2025-11-15.

Conditions:
Norman-Roberts syndrome (LIS2). Also called: Lissencephaly 2 (Norman-Roberts type). Identifiers: Orphanet 89844, MedGen C0796089, MONDO:0009760, OMIM 257320.
Familial temporal lobe epilepsy 7. Identifiers: Orphanet 101046, MedGen C4225327, MONDO:0014639, OMIM 616436.

Allele frequency attached by ClinVar (database versions not stated): gnomAD 0.00019 and 0.00025; gnomAD exomes 0.00019 and 0.00060; TOPMed 0.00032; ExAC 0.00062; 1000 Genomes Project 0.00080; 1000 Genomes Project 30x 0.00125.
gnomAD v4.1: 296 of 1,541,434 alleles (0.019%); highest among the groups gnomAD compares: East Asian, 0.5%; no homozygotes.

Submissions (3):

Labcorp Genetics (formerly Invitae), Labcorp
Classification: Benign for Familial temporal lobe epilepsy 7; Norman-Roberts syndrome. Last evaluated: 2025-11-15. Review status: criteria provided, single submitter. Criteria: Invitae Variant Classification Sherloc (09022015). Collection method: clinical testing. Allele origin: germline.

Blueprint Genetics
Classification: Likely benign. Last evaluated: 2024-10-23. Review status: criteria provided, single submitter. Criteria: ACMG Guidelines, 2015. Collection method: clinical testing. Allele origin: germline.

GeneDx
Classification: Likely benign. Last evaluated: 2018-03-19. Review status: criteria provided, single submitter. Criteria: GeneDx Variant Classification (06012015). Collection method: clinical testing. Allele origin: germline. Affected: yes.
Comment: This variant is considered likely benign or benign based on one or more of the following criteria: it is a conservative change, it occurs at a poorly conserved position in the protein, it is predicted to be benign by multiple in silico algorithms, and/or has population frequency not consistent with disease.

NM_005045.4(RELN):c.4145+19A>G

Gene: RELN (reelin; minus strand). Cytogenetic location: 7q22.1.
Variant type: single nucleotide variant.
Coding change: c.4145+19A>G on transcript NM_005045.4 (MANE Select); 19 bases into the intron after coding-DNA position 4145, A replaced by G.
Molecular consequence: intron variant.
Genome position (GRCh38, 1-based): chr7:103,589,577, T>C on the plus strand (A>G on the coding strand, the complement: RELN is on the minus strand). VCF-style: chr7-103589577-T-C. GRCh37 (hg19) VCF-style: chr7-103230024-T-C.
Other names: c.4145+19A>G (NM_173054.3).
Identifiers: ClinVar variation 680283 (VCV000680283.10), dbSNP rs200189547, ClinGen allele CA4421592.
Genomic context (GRCh38, chr7:103,589,577, plus strand): 5'-GATTACAACATTTAGGGTTATAGCATTTGGGACTGTGTCTTTCTTAATGGCCCAAACCCA[T>C]TAAGAATGATTACTTTACCTGGATGCAAGAGACCTTGGAATAACAATGGTGATTCTTGTC-3'